The following is an entry in ClinVar:

NM_206937.2(LIG4):c.1746_1750del (p.Glu582fs)

Gene: LIG4 (DNA ligase 4; minus strand). Cytogenetic location: 13q33.3.
Variant type: Deletion.
Coding change: c.1746_1750del on transcript NM_206937.2 (MANE Select); coding-DNA positions 1746 to 1750, 5 bases deleted (AAAGA; older notation c.1746_1750delAAAGA).
Protein change: p.Glu582fs; shifts the reading frame from glutamic acid 582.
Molecular consequence: frameshift variant.
Genome position (GRCh38, 1-based): chr13:108,209,519-108,209,523, TCTTT deleted on the plus strand (AAAGA on the coding strand, the reverse complement: LIG4 is on the minus strand); deleting any 5 consecutive bases within chr13:108,209,519-108,209,525 gives the same sequence; the c. name uses the placement nearest the transcript's 3' end. VCF-style (leftmost placement, unchanged base first): chr13-108209518-ATCTTT-A. GRCh37 (hg19) VCF-style: chr13-108861866-ATCTTT-A.
Other names: c.1746_1750del, p.Glu582fs (NM_001098268.2, NM_001352598.2, NM_001352599.2 and 6 more transcripts); c.1545_1549del, p.Glu515fs (NM_001330595.2); c.1782_1786del, p.Glu594fs (NM_001352604.2); c.1746_1750del5 (NM_002312.3); short protein forms E515fs, E582fs, E594fs.
Identifiers: ClinVar variation 1076150 (VCV001076150.12), dbSNP rs759829934, ClinGen allele CA7043623.
Genomic context (GRCh38, chr13:108,209,518, plus strand): 5'-CCCCTAAGTTGTTCTAGGTCGTCCAGGGTCATGCACTCATGCCACTCCTTGTCATCTCTT[ATCTTT>A]TCAATTCGTGGAAAACGCAAGGTGCAGCCAGTTTTATACATATCACTGGGTACGATCTCT-3'

ClinVar aggregate classification (germline): Pathogenic/Likely pathogenic. Review status: criteria provided, multiple submitters, no conflicts (2 of 4 stars). 4 submissions from 4 submitters: Pathogenic (2); Likely pathogenic (2). Last evaluated 2025-09-19.

Conditions:
LIG4-related disorder. Also called: LIG4-related disorders; LIG4-related condition. Identifiers: MedGen CN239380.
DNA ligase IV deficiency. Identifiers: Orphanet 99812, MedGen C1847827, MONDO:0011686, OMIM 606593.
Multiple myeloma (MM). Also called: Plasma cell myeloma; Multiple myeloma, somatic. Identifiers: Orphanet 29073, Orphanet 85443, MedGen C0026764, MeSH D009101, MONDO:0009693, OMIM 254500, HP:0006775.

Submissions (4):

Labcorp Genetics (formerly Invitae), Labcorp
Classification: Pathogenic for DNA ligase IV deficiency. Last evaluated: 2025-09-19. Review status: criteria provided, single submitter. Criteria: Invitae Variant Classification Sherloc (09022015). Collection method: clinical testing. Allele origin: germline.
Comment: This sequence change creates a premature translational stop signal (p.Glu582Aspfs*4) in the LIG4 gene. While this is not anticipated to result in nonsense mediated decay, it is expected to disrupt the last 330 amino acid(s) of the LIG4 protein. This variant is present in population databases (rs759829934, gnomAD 0.01%). This premature translational stop signal has been observed in individual(s) with Omenn syndrome (PMID: 18845326). ClinVar contains an entry for this variant (Variation ID: 1076150). This variant disrupts a region of the LIG4 protein in which other variant(s) (p.Arg814*) have been determined to be pathogenic (PMID: 11779494, 16088910, 24123394, 25239263, 27063650, 27612988). This suggests that this is a clinically significant region of the protein, and that variants that disrupt it are likely to be disease-causing. For these reasons, this variant has been classified as Pathogenic.

ARUP Laboratories, Molecular Genetics and Genomics, ARUP Laboratories
Classification: Pathogenic. Last evaluated: 2024-10-31. Review status: criteria provided, single submitter. Criteria: ARUP Molecular Germline Variant Investigation Process 2024. Collection method: clinical testing. Allele origin: germline.
Comment: The LIG4 c.1746_1750del; p.Glu582AspfsTer4 variant (rs759829934) is reported in the literature in several compound heterozygous individuals affected with LIG4 syndrome (Grunebaum 2008, Slatter 2020). This variant is found in the non-Finnish European population with an allele frequency of 0.01% (12/113,748 alleles) in the Genome Aggregation Database (v2.1.1). This variant causes a frameshift in the final exon of this gene by deleting five nucleotides. While this may not lead to nonsense-mediated decay, it is expected to create a truncated LIG4 protein. Based on available information, this variant is considered to be pathogenic. References: Grunebaum E et al. Omenn syndrome is associated with mutations in DNA ligase IV. J Allergy Clin Immunol. 2008 Dec;122(6):1219-20. PMID: 18845326. Slatter MA and Gennery AR. Update on DNA-Double Strand Break Repair Defects in Combined Primary Immunodeficiency. Curr Allergy Asthma Rep. 2020 Jul 9;20(10):57. PMID: 32648006.

PreventionGenetics, part of Exact Sciences
Classification: Likely pathogenic for LIG4-related condition. Last evaluated: 2024-10-16. Review status: criteria provided, single submitter. Criteria: ACMG Guidelines, 2015. Collection method: clinical testing. Allele origin: germline.
Comment: The LIG4 c.1746_1750del5 variant is predicted to result in a frameshift and premature protein termination (p.Glu582Aspfs*4). This variant has been reported, along with a missense variant in LIG4 (presumed compound heterozygous), in an infant with Omenn syndrome (OS) (Grunebaum et al. 2008. PubMed ID: 18845326). This variant is reported in 0.011% of alleles in individuals of European (Non-Finnish) descent in gnomAD. Frameshift variants in LIG4 are expected to be pathogenic. This variant is interpreted as likely pathogenic.

Fulgent Genetics
Classification: Likely pathogenic for Multiple myeloma; DNA ligase IV deficiency. Last evaluated: 2024-06-17. Review status: criteria provided, single submitter. Criteria: ACMG Guidelines, 2015. Collection method: clinical testing. Allele origin: germline.

Literature cited by the submitters: PubMed 18845326 (cited by Labcorp Genetics (formerly Invitae), Labcorp); PubMed 11779494 (cited by Labcorp Genetics (formerly Invitae), Labcorp); PubMed 16088910 (cited by Labcorp Genetics (formerly Invitae), Labcorp); PubMed 24123394 (cited by Labcorp Genetics (formerly Invitae), Labcorp); PubMed 25239263 (cited by Labcorp Genetics (formerly Invitae), Labcorp); PubMed 27063650 (cited by Labcorp Genetics (formerly Invitae), Labcorp); PubMed 27612988 (cited by Labcorp Genetics (formerly Invitae), Labcorp).